The following is an entry in ClinVar:

NM_020433.5(JPH2):c.1648G>T (p.Ala550Ser)

Gene: JPH2 (junctophilin 2; minus strand). Cytogenetic location: 20q13.12.
Variant type: single nucleotide variant.
Coding change: c.1648G>T on transcript NM_020433.5 (MANE Select); coding-DNA position 1648, G replaced by T.
Protein change: p.Ala550Ser; replaces alanine 550 with serine.
Molecular consequence: missense variant.
Genome position (GRCh38, 1-based): chr20:44,116,027, C>A on the plus strand (G>T on the coding strand, the complement: JPH2 is on the minus strand). VCF-style: chr20-44116027-C-A. GRCh37 (hg19) VCF-style: chr20-42744667-C-A.
Other names: short protein forms A550S.
Identifiers: ClinVar variation 1777192 (VCV001777192.2), dbSNP rs1215179808, ClinGen allele CA409100205.

ClinVar aggregate classification (germline): Uncertain significance (1 of 4 stars; one submission).

Conditions:
Cardiovascular phenotype. Identifiers: MedGen CN230736.

gnomAD v4.1: 2 of 1,578,586 alleles (0.00013%); highest among the groups gnomAD compares: Non-Finnish European, 0.00017%; no homozygotes.

Submission:

Ambry Genetics
Classification: Uncertain significance for Cardiovascular phenotype. Last evaluated: 2022-01-27. Review status: criteria provided, single submitter. Criteria: Ambry Variant Classification Scheme 2023. Collection method: clinical testing. Allele origin: germline.
Comment: The p.A550S variant (also known as c.1648G>T), located in coding exon 4 of the JPH2 gene, results from a G to T substitution at nucleotide position 1648. The alanine at codon 550 is replaced by serine, an amino acid with similar properties. This amino acid position is not well conserved in available vertebrate species. In addition, this alteration is predicted to be tolerated by in silico analysis. Since supporting evidence is limited at this time, the clinical significance of this alteration remains unclear.